The following is an entry in ClinVar:

ClinVar aggregate classification (germline): Uncertain significance. Review status: criteria provided, multiple submitters, no conflicts (2 of 4 stars). 2 submissions from 2 submitters: Uncertain significance (2). Last evaluated 2026-03-12.

Conditions:
Hereditary cancer-predisposing syndrome. Also called: Tumor predisposition; Neoplastic Syndromes, Hereditary; Hereditary Cancer Syndrome; Hereditary neoplastic syndrome. Identifiers: Orphanet 140162, MedGen C0027672, MeSH D009386, MONDO:0015356.
DICER1-related tumor predisposition. Also called: DICER1-related pleuropulmonary blastoma cancer predisposition syndrome; DICER1 syndrome. Identifiers: Orphanet 284343, MedGen C3839822, MONDO:0100216.

Submissions (2):

Ambry Genetics
Classification: Uncertain significance for Hereditary cancer-predisposing syndrome. Last evaluated: 2026-03-12. Review status: criteria provided, single submitter. Criteria: Ambry Variant Classification Scheme 2023. Collection method: clinical testing. Allele origin: germline.
Comment: The p.V106G variant (also known as c.317T>G), located in coding exon 3 of the DICER1 gene, results from a T to G substitution at nucleotide position 317. The valine at codon 106 is replaced by glycine, an amino acid with dissimilar properties. This amino acid position is conserved. In addition, the in silico prediction for this alteration is inconclusive. Based on the available evidence, the clinical significance of this variant remains unclear.

Labcorp Genetics (formerly Invitae), Labcorp
Classification: Uncertain significance for DICER1-related tumor predisposition. Last evaluated: 2023-01-03. Review status: criteria provided, single submitter. Criteria: Invitae Variant Classification Sherloc (09022015). Collection method: clinical testing. Allele origin: germline.
Comment: Advanced modeling of protein sequence and biophysical properties (such as structural, functional, and spatial information, amino acid conservation, physicochemical variation, residue mobility, and thermodynamic stability) has been performed at Invitae for this missense variant, however the output from this modeling did not meet the statistical confidence thresholds required to predict the impact of this variant on DICER1 protein function. In summary, the available evidence is currently insufficient to determine the role of this variant in disease. Therefore, it has been classified as a Variant of Uncertain Significance. This variant has not been reported in the literature in individuals affected with DICER1-related conditions. This sequence change replaces valine, which is neutral and non-polar, with glycine, which is neutral and non-polar, at codon 106 of the DICER1 protein (p.Val106Gly). This variant is not present in population databases (gnomAD no frequency).

NM_177438.3(DICER1):c.317T>G (p.Val106Gly)

Gene: DICER1 (dicer 1, ribonuclease III; minus strand). Cytogenetic location: 14q32.13.
Variant type: single nucleotide variant.
Coding change: c.317T>G on transcript NM_177438.3 (MANE Select); coding-DNA position 317, T replaced by G.
Protein change: p.Val106Gly; replaces valine 106 with glycine.
Molecular consequence: missense variant. On other transcripts: 5 prime UTR variant (2), non-coding transcript variant (5), intron variant (6).
Genome position (GRCh38, 1-based): chr14:95,131,630, A>C on the plus strand (T>G on the coding strand, the complement: DICER1 is on the minus strand). VCF-style: chr14-95131630-A-C. GRCh37 (hg19) VCF-style: chr14-95597967-A-C.
Other names: c.317T>G, p.Val106Gly (NM_001195573.1, NM_001271282.3, NM_001291628.2 and 15 more transcripts); c.35T>G, p.Val12Gly (NM_001395686.1); c.-142T>G (NM_001395691.1); c.-1252T>G (NM_001395697.1); c.33+885T>G (NM_001395690.1, NM_001395687.1, NM_001395689.1 and 3 more transcripts); short protein forms V106G, V12G.
Identifiers: ClinVar variation 2826096 (VCV002826096.4), dbSNP rs2543343864, ClinGen allele CA390889463.